The following is an entry in ClinVar:

NM_017757.3(ZNF407):c.4726A>G (p.Thr1576Ala)

Gene: ZNF407 (zinc finger protein 407; plus strand). Cytogenetic location: 18q22.3.
Variant type: single nucleotide variant.
Coding change: c.4726A>G on transcript NM_017757.3 (MANE Select); coding-DNA position 4726, A replaced by G.
Protein change: p.Thr1576Ala; replaces threonine 1576 with alanine.
Molecular consequence: missense variant.
Genome position (GRCh38, 1-based): chr18:74,641,046, A>G. VCF-style: chr18-74641046-A-G. GRCh37 (hg19) VCF-style: chr18-72353002-A-G.
Other names: c.4726A>G, p.Thr1576Ala (NM_001146189.1, NM_001146190.1, NM_001384475.1); short protein forms T1576A.
Identifiers: ClinVar variation 3367745 (VCV003367745.1).

ClinVar aggregate classification (germline): Uncertain significance (1 of 4 stars; one submission).

gnomAD v4.1: 12 of 1,613,282 alleles (0.00074%); highest among the groups gnomAD compares: African/African-American, 0.013%; no homozygotes.

Submission:

GeneDx
Classification: Uncertain significance. Last evaluated: 2024-01-09. Review status: criteria provided, single submitter. Criteria: GeneDx Variant Classification Process June 2021. Collection method: clinical testing. Allele origin: germline. Affected: yes.
Comment: In silico analysis supports that this missense variant does not alter protein structure/function; Has not been previously published as pathogenic or benign to our knowledge